The following is an entry in ClinVar:

ClinVar aggregate classification (germline): Pathogenic (1 of 4 stars; one submission).

Conditions:
COL4A1-related disorder. Also called: COL4A1-related condition; COL4A1-related disorders. Identifiers: MedGen CN376119, MONDO:0800461.

Submission:

PreventionGenetics, part of Exact Sciences
Classification: Pathogenic for COL4A1-related condition. Last evaluated: 2024-11-23. Review status: criteria provided, single submitter. Criteria: ACMG Guidelines, 2015. Collection method: clinical testing. Allele origin: germline.
Comment: The COL4A1 c.2459G>A variant is predicted to result in the amino acid substitution p.Gly820Asp. This variant was reported in a cohort of fetuses with intracranial haemorrhage (Coste et al. 2022. PubMed ID: 35150448). This variant has not been reported in a large population database (gnomAD), indicating this variant is rare. This variant impacts a glycine (Gly) residue within the highly conserved collagen triple helical domain (Gly-X-Y; amino acids 173-1440) where Gly substitutions are expected to be pathogenic. This variant is interpreted as pathogenic.

NM_001845.6(COL4A1):c.2459G>A (p.Gly820Asp)

Gene: COL4A1 (collagen type IV alpha 1 chain; minus strand). Cytogenetic location: 13q34.
Variant type: single nucleotide variant.
Coding change: c.2459G>A on transcript NM_001845.6 (MANE Select); coding-DNA position 2459, G replaced by A.
Protein change: p.Gly820Asp; replaces glycine 820 with aspartic acid.
Molecular consequence: missense variant.
Genome position (GRCh38, 1-based): chr13:110,178,231, C>T on the plus strand (G>A on the coding strand, the complement: COL4A1 is on the minus strand). VCF-style: chr13-110178231-C-T. GRCh37 (hg19) VCF-style: chr13-110830578-C-T.
Other names: short protein forms G820D.
Identifiers: ClinVar variation 5001737 (VCV005001737.1).